The following is an entry in ClinVar:

NM_019077.3(UGT1A7):c.352G>T (p.Asp118Tyr)

Genes: UGT1A10 (UDP glucuronosyltransferase family 1 member A10; plus strand), UGT1A9 (UDP glucuronosyltransferase family 1 member A9; plus strand), UGT1A7 (UDP glucuronosyltransferase family 1 member A7; plus strand), UGT1A8 (UDP glucuronosyltransferase family 1 member A8; plus strand), UGT1A (UDP glucuronosyltransferase family 1 member A complex locus; plus strand). Cytogenetic location: 2q37.1.
Variant type: single nucleotide variant.
Coding change: c.352G>T on transcript NM_019077.3 (MANE Select); coding-DNA position 352, G replaced by T.
Protein change: p.Asp118Tyr; replaces aspartic acid 118 with tyrosine.
Molecular consequence: missense variant. On other transcripts: intron variant (3).
Genome position (GRCh38, 1-based): chr2:233,682,289, G>T. VCF-style: chr2-233682289-G-T. GRCh37 (hg19) VCF-style: chr2-234590935-G-T.
Other names: c.855+63727G>T (NM_019076.5); c.855+44912G>T (NM_019075.4); c.855+9500G>T (NM_021027.3); short protein forms D118Y.
Identifiers: ClinVar variation 618470 (VCV000618470.16), dbSNP rs140814031, ClinGen allele CA2178252.

ClinVar aggregate classification (germline): Conflicting classifications of pathogenicity. Review status: criteria provided, conflicting classifications (1 of 4 stars). 2 submissions from 2 submitters: Uncertain significance (1); Likely benign (1). Last evaluated 2025-04-01.

Allele frequency attached by ClinVar (database versions not stated): TOPMed 0.00022; ESP Exome Variant Server 0.00031; 1000 Genomes Project 30x 0.00094; gnomAD exomes 0.00111 and 0.00282; 1000 Genomes Project 0.00120; gnomAD 0.00235 and 0.00252; ExAC 0.00243.
gnomAD v4.1: 1,976 of 1,614,118 alleles (0.12%); highest among the groups gnomAD compares: Middle Eastern, 0.033%; 25 homozygotes.

Submissions (2):

CeGaT Center for Human Genetics Tuebingen
Classification: Likely benign. Last evaluated: 2025-04-01. Review status: criteria provided, single submitter. Criteria: CeGaT Center For Human Genetics Tuebingen Variant Classification Criteria Version 2. Collection method: clinical testing. Allele origin: germline. Affected: yes. Observed: 1 variant allele.
Comment: UGT1A7: BP4, BS2

ARUP Laboratories, Molecular Genetics and Genomics, ARUP Laboratories
Classification: Uncertain significance. Last evaluated: 2018-06-27. Review status: criteria provided, single submitter. Criteria: ARUP Molecular Germline Variant Investigation Process. Collection method: clinical testing. Allele origin: germline.